The following is an entry in ClinVar:

NM_001080517.3(SETD5):c.3458C>T (p.Ser1153Leu)

Gene: SETD5 (SET domain containing 5; plus strand). Cytogenetic location: 3p25.3.
Variant type: single nucleotide variant.
Coding change: c.3458C>T on transcript NM_001080517.3 (MANE Select); coding-DNA position 3458, C replaced by T.
Protein change: p.Ser1153Leu; replaces serine 1153 with leucine.
Molecular consequence: missense variant.
Genome position (GRCh38, 1-based): chr3:9,473,498, C>T. VCF-style: chr3-9473498-C-T. GRCh37 (hg19) VCF-style: chr3-9515182-C-T.
Other names: c.3164C>T, p.Ser1055Leu (NM_001292043.2, NM_001349451.2); c.3458C>T (NM_001080517.2); short protein forms S1055L, S1153L.
Identifiers: ClinVar variation 1612118 (VCV001612118.12), dbSNP rs536823549, ClinGen allele CA2239694.

ClinVar aggregate classification (germline): Conflicting classifications of pathogenicity. Review status: criteria provided, conflicting classifications (1 of 4 stars). 3 submissions from 3 submitters: Uncertain significance (1); Likely benign (2). Last evaluated 2025-08-12.

Conditions:
Intellectual disability-facial dysmorphism syndrome due to SETD5 haploinsufficiency (MRD23). Also called: Intellectual developmental disorder, autosomal dominant 23. Identifiers: Orphanet 404440, MedGen C3810406, MONDO:0014336, OMIM 615761.
SETD5-related disorder. Also called: SETD5-related disorders; SETD5-related condition.

Allele frequency attached by ClinVar (database versions not stated): gnomAD exomes 0.00003 and 0.00014; gnomAD 0.00007 and 0.00012; ExAC 0.00011; TOPMed 0.00012; 1000 Genomes Project 30x 0.00125; 1000 Genomes Project 0.00160.
gnomAD v4.1: 59 of 1,613,710 alleles (0.0037%); highest among the groups gnomAD compares: East Asian, 0.12%; 1 homozygote.

Submissions (3):

PreventionGenetics, part of Exact Sciences
Classification: Likely benign for SETD5-related condition. Last evaluated: 2025-08-12. Review status: criteria provided, single submitter. Criteria: ACMG Guidelines, 2015. Collection method: clinical testing. Allele origin: germline.
Comment: This variant is classified as likely benign based on ACMG/AMP sequence variant interpretation guidelines (Richards et al. 2015 PMID: 25741868, with internal and published modifications).

Labcorp Genetics (formerly Invitae), Labcorp
Classification: Likely benign. Last evaluated: 2024-07-30. Review status: criteria provided, single submitter. Criteria: Invitae Variant Classification Sherloc (09022015). Collection method: clinical testing. Allele origin: germline.

Revvity Omics, Revvity
Classification: Uncertain significance for Intellectual disability-facial dysmorphism syndrome due to SETD5 haploinsufficiency. Last evaluated: 2019-10-28. Review status: criteria provided, single submitter. Criteria: ACMG Guidelines, 2015. Collection method: clinical testing. Allele origin: germline.